The following is an entry in ClinVar:

ClinVar aggregate classification (germline): Uncertain significance (1 of 4 stars; one submission).

Conditions:
Ataxia-telangiectasia syndrome (AT). Also called: LOUIS-BAR SYNDROME; Cerebello-oculocutaneous telangiectasia; Immunodeficiency with ataxia telangiectasia; ATAXIA-TELANGIECTASIA, COMPLEMENTATION GROUP A; ATAXIA-TELANGIECTASIA, FRESNO VARIANT; Ataxia-telangiectasia, complementation group D. Identifiers: Orphanet 100, MedGen C0004135, MONDO:0008840, OMIM 208900.

Submission:

Labcorp Genetics (formerly Invitae), Labcorp
Classification: Uncertain significance for Ataxia-telangiectasia syndrome. Last evaluated: 2024-06-24. Review status: criteria provided, single submitter. Criteria: Invitae Variant Classification Sherloc (09022015). Collection method: clinical testing. Allele origin: germline.
Comment: This sequence change replaces aspartic acid, which is acidic and polar, with alanine, which is neutral and non-polar, at codon 408 of the ATM protein (p.Asp408Ala). This variant is not present in population databases (gnomAD no frequency). This variant has not been reported in the literature in individuals affected with ATM-related conditions. An algorithm developed to predict the effect of missense changes on protein structure and function (PolyPhen-2) suggests that this variant is likely to be disruptive. In summary, the available evidence is currently insufficient to determine the role of this variant in disease. Therefore, it has been classified as a Variant of Uncertain Significance.

NM_000051.4(ATM):c.1223A>C (p.Asp408Ala)

Gene: ATM (ATM serine/threonine kinase; plus strand). Cytogenetic location: 11q22.3.
Variant type: single nucleotide variant.
Coding change: c.1223A>C on transcript NM_000051.4 (MANE Select); coding-DNA position 1223, A replaced by C.
Protein change: p.Asp408Ala; replaces aspartic acid 408 with alanine.
Molecular consequence: missense variant.
Genome position (GRCh38, 1-based): chr11:108,249,090, A>C. VCF-style: chr11-108249090-A-C. GRCh37 (hg19) VCF-style: chr11-108119817-A-C.
Other names: c.1223A>C, p.Asp408Ala (NM_001351834.2); short protein forms D408A.
Identifiers: ClinVar variation 3657612 (VCV003657612.2).